The following is an entry in ClinVar:

NM_004565.3(PEX14):c.744G>A (p.Pro248=)

Gene: PEX14 (peroxisomal biogenesis factor 14; plus strand). Cytogenetic location: 1p36.22.
Variant type: single nucleotide variant.
Coding change: c.744G>A on transcript NM_004565.3 (MANE Select); coding-DNA position 744, G replaced by A.
Protein change: p.Pro248=; no amino-acid change (proline 248 retained).
Molecular consequence: synonymous variant.
Genome position (GRCh38, 1-based): chr1:10,629,597, G>A. VCF-style: chr1-10629597-G-A. GRCh37 (hg19) VCF-style: chr1-10689654-G-A.
Other names: c.744G>A (NM_004565.2).
Identifiers: ClinVar variation 1650844 (VCV001650844.10), dbSNP rs145103775, ClinGen allele CA583958.

ClinVar aggregate classification (germline): Likely benign. Review status: criteria provided, multiple submitters, no conflicts (2 of 4 stars). 3 submissions from 3 submitters: Likely benign (3). Last evaluated 2026-06-09.

Conditions:
PEX14-related disorder. Also called: PEX14-related condition.
Peroxisome biogenesis disorder, complementation group K (CGK). Identifiers: MedGen C1866257, MONDO:0800365.

Allele frequency attached by ClinVar (database versions not stated): ExAC 0.00002; gnomAD exomes 0.00002; gnomAD 0.00003; TOPMed 0.00006; ESP Exome Variant Server 0.00015.
gnomAD v4.1: 37 of 1,613,862 alleles (0.0023%); highest among the groups gnomAD compares: African/African-American, 0.004%; no homozygotes.

Submissions (3):

PreventionGenetics, part of Exact Sciences
Classification: Likely benign for PEX14-related condition. Last evaluated: 2026-06-09. Review status: criteria provided, single submitter. Criteria: ACMG Guidelines, 2015. Collection method: clinical testing. Allele origin: germline.
Comment: This variant is classified as likely benign based on ACMG/AMP sequence variant interpretation guidelines (Richards et al. 2015 PMID: 25741868, with internal and published modifications).

Blueprint Genetics
Classification: Likely benign. Last evaluated: 2024-11-20. Review status: criteria provided, single submitter. Criteria: ACMG Guidelines, 2015. Collection method: clinical testing. Allele origin: germline.

Labcorp Genetics (formerly Invitae), Labcorp
Classification: Likely benign for Peroxisome biogenesis disorder, complementation group K. Last evaluated: 2024-10-26. Review status: criteria provided, single submitter. Criteria: Invitae Variant Classification Sherloc (09022015). Collection method: clinical testing. Allele origin: germline.